The following is an entry in ClinVar:

ClinVar aggregate classification (germline): Uncertain significance (1 of 4 stars; one submission).

Conditions:
Inborn genetic diseases. Identifiers: MedGen C0950123, MeSH D030342.

gnomAD v4.1: 7 of 1,613,784 alleles (0.00043%); highest among the groups gnomAD compares: African/African-American, 0.0094%; no homozygotes.

Submission:

Ambry Genetics
Classification: Uncertain significance for Inborn genetic diseases. Last evaluated: 2026-07-03. Review status: criteria provided, single submitter. Criteria: Ambry Variant Classification Scheme 2023. Collection method: clinical testing. Allele origin: germline.
Comment: The c.5612A>C (p.E1871A) alteration is located in exon 3 (coding exon 2) of the FLG gene. This alteration results from a A to C substitution at nucleotide position 5612, causing the glutamic acid (E) at amino acid position 1871 to be replaced by an alanine (A). Based on data from gnomAD, the C allele has an overall frequency of 0.001% (3/282852) total alleles studied. The highest observed frequency was 0.012% (3/24944) of African alleles. Based on insufficient or conflicting evidence, the clinical significance of this alteration remains unclear.

NM_002016.2(FLG):c.5612A>C (p.Glu1871Ala)

Genes: CCDST (cervical cancer associated DHX9 suppressive transcript; plus strand), FLG (filaggrin; minus strand). Cytogenetic location: 1q21.3.
Variant type: single nucleotide variant.
Coding change: c.5612A>C on transcript NM_002016.2 (MANE Select); coding-DNA position 5612, A replaced by C.
Protein change: p.Glu1871Ala; replaces glutamic acid 1871 with alanine.
Molecular consequence: missense variant.
Genome position (GRCh38, 1-based): chr1:152,309,274, T>G on the plus strand (A>C on the coding strand, the complement: FLG is on the minus strand). VCF-style: chr1-152309274-T-G. GRCh37 (hg19) VCF-style: chr1-152281750-T-G.
Other names: short protein forms E1871A.
Identifiers: ClinVar variation 5021895 (VCV005021895.1).